The following is an entry in ClinVar:

NM_203446.3(SYNJ1):c.887A>G (p.Gln296Arg)

Gene: SYNJ1 (synaptojanin 1; minus strand). Cytogenetic location: 21q22.11.
Variant type: single nucleotide variant.
Coding change: c.887A>G on transcript NM_203446.3 (MANE Select); coding-DNA position 887, A replaced by G.
Protein change: p.Gln296Arg; replaces glutamine 296 with arginine.
Molecular consequence: missense variant.
Genome position (GRCh38, 1-based): chr21:32,687,039, T>C on the plus strand (A>G on the coding strand, the complement: SYNJ1 is on the minus strand). VCF-style: chr21-32687039-T-C. GRCh37 (hg19) VCF-style: chr21-34059349-T-C.
Other names: c.887A>G, p.Gln296Arg (NM_001160302.2, NM_001160306.2); c.1004A>G, p.Gln335Arg (NM_003895.4); short protein forms Q296R, Q335R.
Identifiers: ClinVar variation 1037836 (VCV001037836.7), dbSNP rs2041858912, ClinGen allele CA410093673.
Genomic context (GRCh38, chr21:32,687,039, plus strand): 5'-TGGAAAGCTTTACTTAGCATATGTTCACCTTCCTTAGATCCAAGCAAATTTACTATTATT[T>C]GTTTACCATATAAGTTCTTAAGTGTTCTAAAATGCCTATTTAAGAAAGAAAGGAAATAAA-3'
Protein context (NP_982271.3, residues 286-306): FRTLKNLYGK[Gln296Arg]IIVNLLGSKE

ClinVar aggregate classification (germline): Uncertain significance (1 of 4 stars; one submission).

Conditions:
Developmental and epileptic encephalopathy, 53. Also called: Epileptic encephalopathy, early infantile, 53. Identifiers: MedGen C4479313, MONDO:0033362, OMIM 617389.
Early-onset Parkinson disease 20. Also called: PARKINSON DISEASE 20, AUTOSOMAL RECESSIVE EARLY-ONSET. Identifiers: Orphanet 391411, MedGen C3809824, MONDO:0014233, OMIM 615530.

Allele frequency attached by ClinVar (database versions not stated): gnomAD exomes below 0.00001.
gnomAD v4.1: 1 of 1,544,448 alleles (0.000065%); highest among the groups gnomAD compares: Non-Finnish European, 0.000087%; no homozygotes.

Submission:

Labcorp Genetics (formerly Invitae), Labcorp
Classification: Uncertain significance for Developmental and epileptic encephalopathy, 53; Early-onset Parkinson disease 20. Last evaluated: 2020-07-21. Review status: criteria provided, single submitter. Criteria: Invitae Variant Classification Sherloc (09022015). Collection method: clinical testing. Allele origin: germline.
Comment: In summary, the available evidence is currently insufficient to determine the role of this variant in disease. Therefore, it has been classified as a Variant of Uncertain Significance. Algorithms developed to predict the effect of missense changes on protein structure and function are either unavailable or do not agree on the potential impact of this missense change (SIFT: "Tolerated"; PolyPhen-2: "Probably Damaging"; Align-GVGD: "Class C0"). This variant has not been reported in the literature in individuals with SYNJ1-related conditions. This variant is not present in population databases (ExAC no frequency). This sequence change replaces glutamine with arginine at codon 335 of the SYNJ1 protein (p.Gln335Arg). The glutamine residue is moderately conserved and there is a small physicochemical difference between glutamine and arginine.